The following is an entry in ClinVar:

ClinVar aggregate classification (germline): Uncertain significance (1 of 4 stars; one submission).

Submission:

GeneDx
Classification: Uncertain significance. Last evaluated: 2025-07-08. Review status: criteria provided, single submitter. Criteria: GeneDx Variant Classification Process June 2021. Collection method: clinical testing. Allele origin: germline. Affected: yes.
Comment: Not observed at significant frequency in large population cohorts (gnomAD); In silico analysis suggests that this missense variant does not alter protein structure/function; Has not been previously published as pathogenic or benign to our knowledge

NM_000182.5(HADHA):c.125A>G (p.Asn42Ser)

Gene: HADHA (hydroxyacyl-CoA dehydrogenase trifunctional multienzyme complex subunit alpha; minus strand). Cytogenetic location: 2p23.3.
Variant type: single nucleotide variant.
Coding change: c.125A>G on transcript NM_000182.5 (MANE Select); coding-DNA position 125, A replaced by G.
Protein change: p.Asn42Ser; replaces asparagine 42 with serine.
Molecular consequence: missense variant.
Genome position (GRCh38, 1-based): chr2:26,238,989, T>C on the plus strand (A>G on the coding strand, the complement: HADHA is on the minus strand). VCF-style: chr2-26238989-T-C. GRCh37 (hg19) VCF-style: chr2-26461857-T-C.
Other names: short protein forms N42S.
Identifiers: ClinVar variation 4685104 (VCV004685104.1).
Genomic context (GRCh38, chr2:26,238,989, plus strand): 5'-GATACCTTTGAATTGGGAGAGTTAATTCGAACAACTGCCACATCCCCTTTGACTCCATAG[T>C]TAATATGGGTTCTGGCTAAAAAGAAAAGAAAGATTTATTTGTAAACATATTTATTGCAAC-3'
Protein context (NP_000173.2, residues 32-52): SSALLTRTHI[Asn42Ser]YGVKGDVAVV